The following is an entry in ClinVar:

NM_015346.4(ZFYVE26):c.6786+5T>C

Gene: ZFYVE26 (zinc finger FYVE-type containing 26; minus strand). Cytogenetic location: 14q24.1.
Variant type: single nucleotide variant.
Coding change: c.6786+5T>C on transcript NM_015346.4 (MANE Select); 5 bases into the intron after coding-DNA position 6786, T replaced by C.
Molecular consequence: intron variant.
Genome position (GRCh38, 1-based): chr14:67,755,943, A>G on the plus strand (T>C on the coding strand, the complement: ZFYVE26 is on the minus strand). VCF-style: chr14-67755943-A-G. GRCh37 (hg19) VCF-style: chr14-68222660-A-G.
Identifiers: ClinVar variation 216693 (VCV000216693.8), dbSNP rs863224770, ClinGen allele CA338359.

ClinVar aggregate classification (germline): Uncertain significance (1 of 4 stars; one submission).

Conditions:
Spastic paraplegia. Identifiers: MedGen C0037772, HP:0001258.

Allele frequency attached by ClinVar (database versions not stated): TOPMed below 0.00001; gnomAD 0.00001.
gnomAD v4.1: 1 of 1,614,098 alleles (0.000062%); highest among the groups gnomAD compares: Non-Finnish European, 0.000085%; no homozygotes.

Submission:

Labcorp Genetics (formerly Invitae), Labcorp
Classification: Uncertain significance for Spastic paraplegia. Last evaluated: 2019-08-24. Review status: criteria provided, single submitter. Criteria: Invitae Variant Classification Sherloc (09022015). Collection method: clinical testing. Allele origin: germline.
Comment: Nucleotide substitutions within the consensus splice site are a relatively common cause of aberrant splicing (PMID: 17576681, 9536098). Algorithms developed to predict the effect of sequence changes on RNA splicing suggest that this variant is not likely to affect RNA splicing, but this prediction has not been confirmed by published transcriptional studies. In summary, the available evidence is currently insufficient to determine the role of this variant in disease. Therefore, it has been classified as a Variant of Uncertain Significance. This variant has not been reported in the literature in individuals with ZFYVE26-related conditions. This variant is not present in population databases (ExAC no frequency). This sequence change falls in intron 36 of the ZFYVE26 gene. It does not directly change the encoded amino acid sequence of the ZFYVE26 protein, but it affects a nucleotide within the consensus splice site of the intron.

Literature cited by the submitters: PubMed 17576681; PubMed 9536098.